The following is an entry in ClinVar:

ClinVar aggregate classification (germline): Conflicting classifications of pathogenicity. Review status: criteria provided, conflicting classifications (1 of 4 stars). 3 submissions from 3 submitters: Uncertain significance (2); Likely benign (1). Last evaluated 2024-09-20.

Conditions:
Inborn genetic diseases. Identifiers: MedGen C0950123, MeSH D030342.
Microcephaly, growth deficiency, seizures, and brain malformations. Identifiers: MedGen C5193042, MONDO:0032690, OMIM 618346.
Galloway-Mowat syndrome 6. Identifiers: MedGen C5193043, MONDO:0032691, OMIM 618347.

Allele frequency attached by ClinVar (database versions not stated): ExAC 0.00001; gnomAD 0.00006; TOPMed 0.00006.
gnomAD v4.1: 45 of 1,613,968 alleles (0.0028%); highest among the groups gnomAD compares: African/African-American, 0.011%; no homozygotes.

Submissions (3):

3billion
Classification: Likely benign for Microcephaly, growth deficiency, seizures, and brain malformations; Galloway-Mowat syndrome 6. Last evaluated: 2024-09-20. Review status: criteria provided, single submitter. Criteria: ACMG Guidelines, 2015. Collection method: clinical testing. Allele origin: germline. Affected: no.
Comment: The homozygous variant was found in patients diagnosed with another variant in a different gene, with no symptoms related to the gene containing the homozygous variant.

Labcorp Genetics (formerly Invitae), Labcorp
Classification: Uncertain significance. Last evaluated: 2022-03-11. Review status: criteria provided, single submitter. Criteria: Invitae Variant Classification Sherloc (09022015). Collection method: clinical testing. Allele origin: germline.
Comment: This sequence change replaces arginine, which is basic and polar, with histidine, which is basic and polar, at codon 89 of the WDR4 protein (p.Arg89His). This variant is present in population databases (rs751142345, gnomAD 0.004%). This variant has not been reported in the literature in individuals affected with WDR4-related conditions. Algorithms developed to predict the effect of missense changes on protein structure and function (SIFT, PolyPhen-2, Align-GVGD) all suggest that this variant is likely to be tolerated. In summary, the available evidence is currently insufficient to determine the role of this variant in disease. Therefore, it has been classified as a Variant of Uncertain Significance.

Ambry Genetics
Classification: Uncertain significance for Inborn genetic diseases. Last evaluated: 2021-08-30. Review status: criteria provided, single submitter. Criteria: Ambry Variant Classification Scheme 2023. Collection method: clinical testing. Allele origin: germline.

NM_018669.6(WDR4):c.266G>A (p.Arg89His)

Gene: WDR4 (WDR4 tRNA N7-guanosine methyltransferase non-catalytic subunit; minus strand). Cytogenetic location: 21q22.3.
Variant type: single nucleotide variant.
Coding change: c.266G>A on transcript NM_018669.6 (MANE Select); coding-DNA position 266, G replaced by A.
Protein change: p.Arg89His; replaces arginine 89 with histidine.
Molecular consequence: missense variant. On other transcripts: non-coding transcript variant (1), intron variant (3).
Genome position (GRCh38, 1-based): chr21:42,873,581, C>T on the plus strand (G>A on the coding strand, the complement: WDR4 is on the minus strand). VCF-style: chr21-42873581-C-T. GRCh37 (hg19) VCF-style: chr21-44293691-C-T.
Other names: c.266G>A, p.Arg89His (NM_001260474.2, NM_033661.5); c.-143+22G>A (NM_001260476.2, NM_001260475.2, NM_001260477.2); short protein forms R89H.
Identifiers: ClinVar variation 2053918 (VCV002053918.3), dbSNP rs751142345, ClinGen allele CA10046209.
Genomic context (GRCh38, chr21:42,873,581, plus strand): 5'-TCTTAAGAATCCAGCGTTAGCATCTCATACCTGACACTCAGACATTGCCATGGTTTTGTA[C>T]GGAAAAGAATCAGACGCTTACTGTCATCGGTTAAAGCAAAATAGCTGCCAGACTTGGAGA-3'
Protein context (NP_061139.2, residues 79-99): TDDSKRLILF[Arg89His]TKPWQCLSVR